The following is an entry in ClinVar:

ClinVar aggregate classification (germline): Uncertain significance (1 of 4 stars; one submission).

Submission:

GeneDx
Classification: Uncertain significance. Last evaluated: 2024-06-10. Review status: criteria provided, single submitter. Criteria: GeneDx Variant Classification Process June 2021. Collection method: clinical testing. Allele origin: germline. Affected: yes.
Comment: Not observed at significant frequency in large population cohorts (gnomAD); In silico analysis indicates that this missense variant does not alter protein structure/function; Has not been previously published as pathogenic or benign to our knowledge

NM_001206999.2(CIT):c.3515T>A (p.Met1172Lys)

Gene: CIT (citron rho-interacting serine/threonine kinase; minus strand). Cytogenetic location: 12q24.23.
Variant type: single nucleotide variant.
Coding change: c.3515T>A on transcript NM_001206999.2 (MANE Select); coding-DNA position 3515, T replaced by A.
Protein change: p.Met1172Lys; replaces methionine 1172 with lysine.
Molecular consequence: missense variant.
Genome position (GRCh38, 1-based): chr12:119,728,578, A>T on the plus strand (T>A on the coding strand, the complement: CIT is on the minus strand). VCF-style: chr12-119728578-A-T. GRCh37 (hg19) VCF-style: chr12-120166383-A-T.
Other names: c.3389T>A, p.Met1130Lys (NM_007174.3); short protein forms M1130K, M1172K.
Identifiers: ClinVar variation 3390661 (VCV003390661.1).